The following is an entry in ClinVar:

ClinVar aggregate classification (germline): Pathogenic. Review status: criteria provided, multiple submitters, no conflicts (2 of 4 stars). 6 submissions from 6 submitters: Pathogenic (4). 2 of the submissions do not count toward it. Last evaluated 2025-09-26.

Conditions:
Nephrotic syndrome. Identifiers: MedGen C0027726, MONDO:0005377, HP:0000100.
Atypical hemolytic-uremic syndrome. Identifiers: Orphanet 2134, MedGen C2931788, MONDO:0016244.
Immunoglobulin-mediated membranoproliferative glomerulonephritis. Also called: NEPHROTIC SYNDROME, TYPE 7, WITH MEMBRANOPROLIFERATIVE GLOMERULONEPHRITIS; Nephrotic syndrome, type 7. Identifiers: Orphanet 329903, MedGen C3554330, MONDO:0014005, OMIM 615008.

Submissions (6):

Genomenon, Inc
Classification: Pathogenic for Atypical hemolytic-uremic syndrome. Last evaluated: 2025-09-26. Review status: criteria provided, single submitter. Criteria: Genomenon Sequence Variant Interpretation Standards - Updated. Collection method: curation. Allele origin: germline. Affected: yes.
Comment: DGKE p.Thr204GlnfsTer6 (c.610del) is a frameshift variant that results in the production of a truncated protein which is predicted to undergo nonsense-mediated mRNA decay. This variant has been observed in at least one proband affected with atypical hemolytic-uremic syndrome (PMID:23274426). The variant was found to segregate with disease in at least one affected family (PMID:23274426). At least one functional study has demonstrated a substantial alteration in protein function relative to the wild-type (PMID:23274426). It is absent or not present at a significant frequency in gnomAD. In conclusion, we classify DGKE p.Thr204GlnfsTer6 (c.610del) as a pathogenic variant.

Labcorp Genetics (formerly Invitae), Labcorp
Classification: Pathogenic. Last evaluated: 2024-06-09. Review status: criteria provided, single submitter. Criteria: Invitae Variant Classification Sherloc (09022015). Collection method: clinical testing. Allele origin: germline.
Comment: This sequence change creates a premature translational stop signal (p.Thr204Glnfs*6) in the DGKE gene. It is expected to result in an absent or disrupted protein product. Loss-of-function variants in DGKE are known to be pathogenic (PMID: 23274426, 23542698). The frequency data for this variant in the population databases is considered unreliable, as metrics indicate poor data quality at this position in the gnomAD database. This premature translational stop signal has been observed in individual(s) with steroid-resistant nephrotic syndrome (PMID: 29127259). ClinVar contains an entry for this variant (Variation ID: 39579). For these reasons, this variant has been classified as Pathogenic.

Fulgent Genetics
Classification: Pathogenic for Immunoglobulin-mediated membranoproliferative glomerulonephritis. Last evaluated: 2022-02-26. Review status: criteria provided, single submitter. Criteria: ACMG Guidelines, 2015. Collection method: clinical testing. Allele origin: unknown.

Women's Health and Genetics/Laboratory Corporation of America, LabCorp
Classification: Pathogenic for Nephrotic syndrome, type 7. Last evaluated: 2020-12-18. Review status: criteria provided, single submitter. Criteria: LabCorp Variant Classification Summary - May 2015. Collection method: clinical testing. Allele origin: germline.
Comment: Variant summary: DGKE c.610delA (p.Thr204GlnfsX6) results in a premature termination codon, predicted to cause a truncation of the encoded protein or absence of the protein due to nonsense mediated decay, which are commonly known mechanisms for disease. The variant allele was found at a frequency of 2.7e-05 in 186148 control chromosomes (gnomAD). c.610delA has been reported in the literature in two homozygous siblings from a Turkish consanguineous family affected with membranoproliferative-like glomerularmicroangiopathy (Ozaltin_2013). These data indicate that the variant is likely to be associated with disease. At least one publication reports experimental evidence evaluating an impact on protein function (Ozaltin_2013). No clinical diagnostic laboratories have submitted clinical-significance assessments for this variant to ClinVar after 2014. Based on the evidence outlined above, the variant was classified as pathogenic.

Yale Center for Mendelian Genomics, Yale University
Classification: Likely pathogenic for Nephrotic syndrome. Last evaluated: 2017-11-10. Review status: no assertion criteria provided. Collection method: literature only. Allele origin: germline. Affected: yes. Observed: 2 homozygotes. Study: Yale Center for Mendelian Genomics. Not counted in ClinVar's aggregate classification.

OMIM
Classification: Pathogenic for NEPHROTIC SYNDROME, TYPE 7. Last evaluated: 2013-02-01. Review status: no assertion criteria provided. Collection method: literature only. Allele origin: germline. Not counted in ClinVar's aggregate classification.

Literature cited by the submitters: PubMed 23274426 (cited by 4 submitters); PubMed 23542698 (cited by Labcorp Genetics (formerly Invitae), Labcorp); PubMed 29127259 (cited by 3 submitters); PubMed 25349199 (cited by Women's Health and Genetics/Laboratory Corporation of America, LabCorp).

NM_003647.3(DGKE):c.610del (p.Thr204fs)

Gene: DGKE (diacylglycerol kinase epsilon; plus strand). Cytogenetic location: 17q22.
Variant type: Deletion.
Coding change: c.610del on transcript NM_003647.3 (MANE Select); coding-DNA position 610, one base deleted (A; older notation c.610delA).
Protein change: p.Thr204fs; shifts the reading frame from threonine 204.
Molecular consequence: frameshift variant.
Genome position (GRCh38, 1-based): chr17:56,844,164, A deleted; the last of 7 consecutive A bases (chr17:56,844,158-56,844,164); deleting any one gives the same sequence. VCF-style (leftmost placement, unchanged base first): chr17-56844157-CA-C. GRCh37 (hg19) VCF-style: chr17-54921518-CA-C.
Other names: c.610delA (NM_003647.2); short protein forms T204fs.
Identifiers: ClinVar variation 39579 (VCV000039579.7), dbSNP rs147972030, ClinGen allele CA10575566.
Genomic context (GRCh38, chr17:56,844,157, plus strand): 5'-ATTCAAAAACCTAATCATTCCACCAAGTTATTTAACATCCATTAATCAGATGCGTAAAGA[CA>C]AAAAAACAGATTATGAAGTGGTAATTAGAGTTTATTTCTCTAATATGATTGATTTTTAAA-3'